The following is an entry in ClinVar:

NM_000051.4(ATM):c.6049_6052del (p.Ser2017fs)

Genes: ATM (ATM serine/threonine kinase; plus strand), C11orf65 (chromosome 11 open reading frame 65; minus strand). Cytogenetic location: 11q22.3.
Variant type: Deletion.
Coding change: c.6049_6052del on transcript NM_000051.4 (MANE Select); coding-DNA positions 6049 to 6052, 4 bases deleted (AGTT; older notation c.6049_6052delAGTT).
Protein change: p.Ser2017fs; shifts the reading frame from serine 2017.
Molecular consequence: frameshift variant. On other transcripts: intron variant (2).
Genome position (GRCh38, 1-based): chr11:108,315,865-108,315,868, AGTT deleted; deleting any 4 consecutive bases within chr11:108,315,864-108,315,868 gives the same sequence; the c. name uses the placement nearest the transcript's 3' end. VCF-style (leftmost placement, unchanged base first): chr11-108315863-ATAGT-A. GRCh37 (hg19) VCF-style: chr11-108186590-ATAGT-A.
Other names: c.6049_6052delAGTT, p.Ser2017Cysfs (NM_000051.3); c.6049_6052del, p.Ser2017fs (NM_001351834.2); c.641-6796_641-6793del (NM_001330368.2); c.*39-6796_*39-6793del (NM_001351110.2); short protein forms S2017fs.
Identifiers: ClinVar variation 662504 (VCV000662504.13), dbSNP rs1591776808, ClinGen allele CA915947647.

ClinVar aggregate classification (germline): Pathogenic. Review status: criteria provided, multiple submitters, no conflicts (2 of 4 stars). 4 submissions from 4 submitters: Pathogenic (4). Last evaluated 2024-02-07.

Conditions:
Familial cancer of breast. Also called: Hereditary breast cancer; BREAST CANCER, FAMILIAL; hereditary breast carcinoma. Identifiers: Orphanet 227535, MedGen C0346153, MONDO:0016419, OMIM 114480. Disease mechanism: loss of function.
Hereditary cancer-predisposing syndrome. Also called: Tumor predisposition; Hereditary neoplastic syndrome; Neoplastic Syndromes, Hereditary; Hereditary Cancer Syndrome. Identifiers: Orphanet 140162, MedGen C0027672, MeSH D009386, MONDO:0015356.
Ataxia-telangiectasia syndrome (AT). Also called: Ataxia-telangiectasia, complementation group D; AT, COMPLEMENTATION GROUP C; ATAXIA-TELANGIECTASIA, COMPLEMENTATION GROUP A; ATAXIA-TELANGIECTASIA, FRESNO VARIANT; Ataxia-telangiectasia; LOUIS-BAR SYNDROME. Identifiers: Orphanet 100, MedGen C0004135, MONDO:0008840, OMIM 208900.

Submissions (4):

GeneDx
Classification: Pathogenic. Last evaluated: 2024-02-07. Review status: criteria provided, single submitter. Criteria: GeneDx Variant Classification Process June 2021. Collection method: clinical testing. Allele origin: germline. Affected: yes.
Comment: Frameshift variant predicted to result in protein truncation or nonsense mediated decay in a gene for which loss of function is a known mechanism of disease; Not observed at significant frequency in large population cohorts (gnomAD); Truncating variants in this gene are considered pathogenic by a well-established clinical consortium and/or database; Has not been previously published as pathogenic or benign to our knowledge

Myriad Genetics, Inc.
Classification: Pathogenic for Familial cancer of breast. Last evaluated: 2024-01-29. Review status: criteria provided, single submitter. Criteria: Myriad Autosomal Dominant, Autosomal Recessive and X-Linked Classification Criteria (2023). Collection method: clinical testing. Allele origin: unknown.
Comment: This variant is considered pathogenic. This variant creates a frameshift predicted to result in premature protein truncation.

Ambry Genetics
Classification: Pathogenic for Hereditary cancer-predisposing syndrome. Last evaluated: 2023-12-15. Review status: criteria provided, single submitter. Criteria: Ambry Variant Classification Scheme 2023. Collection method: clinical testing. Allele origin: germline.
Comment: The c.6049_6052delAGTT pathogenic mutation, located in coding exon 40 of the ATM gene, results from a deletion of 4 nucleotides at nucleotide positions 6049 to 6052, causing a translational frameshift with a predicted alternate stop codon (p.S2017Cfs*29). This variant is considered to be rare based on population cohorts in the Genome Aggregation Database (gnomAD). This alteration is expected to result in loss of function by premature protein truncation or nonsense-mediated mRNA decay. As such, this alteration is interpreted as a disease-causing mutation.

Labcorp Genetics (formerly Invitae), Labcorp
Classification: Pathogenic for Ataxia-telangiectasia syndrome. Last evaluated: 2021-06-15. Review status: criteria provided, single submitter. Criteria: Invitae Variant Classification Sherloc (09022015). Collection method: clinical testing. Allele origin: germline.
Comment: For these reasons, this variant has been classified as Pathogenic. This variant has not been reported in the literature in individuals with ATM-related conditions. ClinVar contains an entry for this variant (Variation ID: 662504). This variant is not present in population databases (ExAC no frequency). This sequence change creates a premature translational stop signal (p.Ser2017Cysfs*29) in the ATM gene. It is expected to result in an absent or disrupted protein product. Loss-of-function variants in ATM are known to be pathogenic (PMID: 23807571, 25614872).

Literature cited by the submitters: PubMed 23807571 (cited by Labcorp Genetics (formerly Invitae), Labcorp); PubMed 25614872 (cited by Labcorp Genetics (formerly Invitae), Labcorp).